The following is an entry in ClinVar:

ClinVar aggregate classification (germline): Uncertain significance (1 of 4 stars; one submission).

Submission:

CeGaT Center for Human Genetics Tuebingen
Classification: Uncertain significance. Last evaluated: 2024-01-01. Review status: criteria provided, single submitter. Criteria: CeGaT Center For Human Genetics Tuebingen Variant Classification Criteria Version 2. Collection method: clinical testing. Allele origin: germline. Affected: yes. Observed: 1 variant allele.
Comment: PHF6: PM2, PP2

NM_001015877.2(PHF6):c.128A>C (p.His43Pro)

Gene: PHF6 (PHD finger protein 6; plus strand). Cytogenetic location: Xq26.2.
Variant type: single nucleotide variant.
Coding change: c.128A>C on transcript NM_001015877.2 (MANE Select); coding-DNA position 128, A replaced by C.
Protein change: p.His43Pro; replaces histidine 43 with proline.
Molecular consequence: missense variant.
Genome position (GRCh38, 1-based): chrX:134,377,745, A>C. VCF-style: chrX-134377745-A-C. GRCh37 (hg19) VCF-style: chrX-133511775-A-C.
Other names: c.128A>C, p.His43Pro (NM_032335.3, NM_032458.3); short protein forms H43P.
Identifiers: ClinVar variation 3027008 (VCV003027008.22), dbSNP rs1273843884, ClinGen allele CA414710875.